The following is an entry in ClinVar:

ClinVar aggregate classification (germline): Uncertain significance (1 of 4 stars; one submission).

Conditions:
Autosomal dominant nocturnal frontal lobe epilepsy 5. Also called: Epilepsy, nocturnal frontal lobe, 5; CILIARY DYSKINESIA, PRIMARY, 28, WITHOUT SITUS INVERSUS; CILIARY DYSKINESIA, PRIMARY, 28, WITH SITUS INVERSUS; KCNT1-Related Epilepsy. Identifiers: Orphanet 98784, MedGen C3554306, MONDO:0014002, OMIM 615005.
Developmental and epileptic encephalopathy, 14 (DEE14). Also called: Early infantile epileptic encephalopathy 14. Identifiers: Orphanet 293181, MedGen C3554195, MONDO:0013989, OMIM 614959.

Allele frequency attached by ClinVar (database versions not stated): gnomAD exomes below 0.00001; ExAC 0.00001.
gnomAD v4.1: 2 of 1,614,078 alleles (0.00012%); highest among the groups gnomAD compares: South Asian, 0.0011%; no homozygotes.

Submission:

Labcorp Genetics (formerly Invitae), Labcorp
Classification: Uncertain significance for Autosomal dominant nocturnal frontal lobe epilepsy 5; Developmental and epileptic encephalopathy, 14. Last evaluated: 2022-09-12. Review status: criteria provided, single submitter. Criteria: Invitae Variant Classification Sherloc (09022015). Collection method: clinical testing. Allele origin: germline.
Comment: In summary, the available evidence is currently insufficient to determine the role of this variant in disease. Therefore, it has been classified as a Variant of Uncertain Significance. Advanced modeling of protein sequence and biophysical properties (such as structural, functional, and spatial information, amino acid conservation, physicochemical variation, residue mobility, and thermodynamic stability) performed at Invitae indicates that this missense variant is not expected to disrupt KCNT1 protein function. ClinVar contains an entry for this variant (Variation ID: 851307). This variant has not been reported in the literature in individuals affected with KCNT1-related conditions. The frequency data for this variant in the population databases is considered unreliable, as metrics indicate poor data quality at this position in the gnomAD database. This sequence change replaces threonine, which is neutral and polar, with methionine, which is neutral and non-polar, at codon 809 of the KCNT1 protein (p.Thr809Met).

NM_020822.3(KCNT1):c.2426C>T (p.Thr809Met)

Gene: KCNT1 (potassium sodium-activated channel subfamily T member 1; plus strand). Cytogenetic location: 9q34.3.
Variant type: single nucleotide variant.
Coding change: c.2426C>T on transcript NM_020822.3 (MANE Select); coding-DNA position 2426, C replaced by T.
Protein change: p.Thr809Met; replaces threonine 809 with methionine.
Molecular consequence: missense variant.
Genome position (GRCh38, 1-based): chr9:135,777,414, C>T. VCF-style: chr9-135777414-C-T. GRCh37 (hg19) VCF-style: chr9-138669260-C-T.
Other names: c.2291C>T, p.Thr764Met (NM_001272003.2); short protein forms T809M, T764M.
Identifiers: ClinVar variation 851307 (VCV000851307.10), dbSNP rs753288865, ClinGen allele CA5327304.